The following is an entry in ClinVar:

NM_213595.4(ISCU):c.376G>A (p.Ala126Thr)

Gene: ISCU (iron-sulfur cluster assembly enzyme; plus strand). Cytogenetic location: 12q23.3.
Variant type: single nucleotide variant.
Coding change: c.376G>A on transcript NM_213595.4 (MANE Select); coding-DNA position 376, G replaced by A.
Protein change: p.Ala126Thr; replaces alanine 126 with threonine.
Molecular consequence: missense variant. On other transcripts: non-coding transcript variant (1).
Genome position (GRCh38, 1-based): chr12:108,567,226, G>A. VCF-style: chr12-108567226-G-A. GRCh37 (hg19) VCF-style: chr12-108961002-G-A.
Other names: c.376G>A, p.Ala126Thr (NM_001301140.1, NM_001301141.1, NM_001320042.1); c.301G>A, p.Ala101Thr (NM_014301.4); short protein forms A101T, A126T.
Identifiers: ClinVar variation 3896884 (VCV003896884.1).

ClinVar aggregate classification (germline): Uncertain significance (1 of 4 stars; one submission).

Conditions:
Hereditary myopathy with lactic acidosis due to ISCU deficiency (HML). Also called: MYOPATHY WITH LACTIC ACIDOSIS, HEREDITARY. Identifiers: Orphanet 43115, MedGen C1850718, MONDO:0009706, OMIM 255125.

Submission:

Kariminejad - Najmabadi Pathology & Genetics Center
Classification: Uncertain significance for Hereditary myopathy with lactic acidosis due to ISCU deficiency. Last evaluated: 2022-11-06. Review status: criteria provided, single submitter. Criteria: ACMG Guidelines, 2015. Collection method: clinical testing. Allele origin: germline. Inheritance: Autosomal recessive inheritance. Affected: yes.
Comment: PM2, PP3